The following is an entry in ClinVar:

ClinVar aggregate classification (germline): Likely benign. Review status: criteria provided, multiple submitters, no conflicts (2 of 4 stars). 4 submissions from 4 submitters: Likely benign (4). Last evaluated 2026-01-26.

Allele frequency attached by ClinVar (database versions not stated): ESP Exome Variant Server 0.00008; TOPMed 0.00010; gnomAD exomes 0.00011 and 0.00013; ExAC 0.00012; gnomAD 0.00015 and 0.00017; 1000 Genomes Project 30x 0.00016; 1000 Genomes Project 0.00020.
gnomAD v4.1: 187 of 1,614,190 alleles (0.012%); highest among the groups gnomAD compares: East Asian, 0.022%; no homozygotes.

Submissions (4):

Labcorp Genetics (formerly Invitae), Labcorp
Classification: Likely benign. Last evaluated: 2026-01-26. Review status: criteria provided, single submitter. Criteria: Invitae Variant Classification Sherloc (09022015). Collection method: clinical testing. Allele origin: germline.

CeGaT Center for Human Genetics Tuebingen
Classification: Likely benign. Last evaluated: 2025-09-01. Review status: criteria provided, single submitter. Criteria: CeGaT Center For Human Genetics Tuebingen Variant Classification Criteria Version 2. Collection method: clinical testing. Allele origin: germline. Affected: yes. Observed: 2 variant alleles.
Comment: KMT2A: BP4, BP7

Blueprint Genetics
Classification: Likely benign. Last evaluated: 2024-07-10. Review status: criteria provided, single submitter. Criteria: ACMG Guidelines, 2015. Collection method: clinical testing. Allele origin: germline.

GeneDx
Classification: Likely benign. Last evaluated: 2021-03-16. Review status: criteria provided, single submitter. Criteria: GeneDx Variant Classification Process June 2021. Collection method: clinical testing. Allele origin: germline. Affected: yes.

NM_001197104.2(KMT2A):c.10077G>A (p.Ala3359=)

Gene: KMT2A (lysine methyltransferase 2A; plus strand). Cytogenetic location: 11q23.3.
Variant type: single nucleotide variant.
Coding change: c.10077G>A on transcript NM_001197104.2 (MANE Select); coding-DNA position 10077, G replaced by A.
Protein change: p.Ala3359=; no amino-acid change (alanine 3359 retained).
Molecular consequence: synonymous variant.
Genome position (GRCh38, 1-based): chr11:118,505,969, G>A. VCF-style: chr11-118505969-G-A. GRCh37 (hg19) VCF-style: chr11-118376684-G-A.
Other names: c.10068G>A, p.Ala3356= (NM_005933.4).
Identifiers: ClinVar variation 1091099 (VCV001091099.22), dbSNP rs200365395, ClinGen allele CA6304679.
Genomic context (GRCh38, chr11:118,505,969, plus strand): 5'-CAGTTCCTCTGTCTTGAATGTTGTATCCATGCAAACTACCACAACCCCTACAAGTAGTGC[G>A]TCAGTTCCAGGACACGTCACCTTAACCAACCCAAGGTTGCTTGGTACCCCAGATATTGGC-3'
Protein context (NP_001184033.1, residues 3349-3369): MQTTTTPTSS[Ala3359=]SVPGHVTLTN